The following is an entry in ClinVar:

ClinVar aggregate classification (germline): Conflicting classifications of pathogenicity. Review status: criteria provided, conflicting classifications (1 of 4 stars). 3 submissions from 3 submitters: Likely pathogenic (1); Uncertain significance (2). Last evaluated 2026-06-12.

Conditions:
Donnai-Barrow syndrome. Also called: DBS/FOAR SYNDROME; FACIOOCULOACOUSTICORENAL SYNDROME. Identifiers: Orphanet 2143, MedGen C1857277, MONDO:0009104, OMIM 222448.

Allele frequency attached by ClinVar (database versions not stated): TOPMed 0.00001; gnomAD exomes 0.00004.
gnomAD v4.1: 56 of 1,614,224 alleles (0.0035%); highest among the groups gnomAD compares: Non-Finnish European, 0.0047%; no homozygotes.

Submissions (3):

Victorian Clinical Genetics Services, Murdoch Childrens Research Institute
Classification: Uncertain significance for Donnai-Barrow syndrome. Last evaluated: 2026-06-12. Review status: criteria provided, single submitter. Criteria: ACMG Guidelines, 2015. Collection method: clinical testing. Allele origin: germline. Affected: yes.
Comment: This variant is classified as VUS-3A. Evidence in support of pathogenic classification: Variant is present in gnomAD <0.01 for a recessive condition (v4: 56 heterozygote(s), 0 homozygote(s)); This variant has limited previous evidence of pathogenicity in an unrelated individual. This variant has been classified as likely pathogenic by a clinical laboratory in ClinVar, observed in an individual with clinical features of Donnai-Barrow syndrome and in trans with a pathogenic variant; Missense variant predicted to be damaging by in silico tool(s) or highly conserved with a major amino acid change. Additional information: Variant is predicted to result in a missense amino acid change from Cys to Arg; This variant is heterozygous; This gene is associated with autosomal recessive disease; No published evidence of segregation with disease has been identified for this variant; No published functional evidence has been identified for this variant; Another missense variant(s) comparable to the one identified in this case has inconclusive previous evidence for pathogenicity. p.(Cys3601Ser) has been reported as homozygous in an individual with hearing loss and vision disorders, however homozygous variants in KARS1 and ABCC6 were also detected (PMID: 38374194); Variant is located in the annotated low-density lipoprotein receptor domain class A (DECIPHER); Loss of function is a known mechanism of disease in this gene and is associated with Donnai-Barrow syndrome (MIM#222448). - Variants in this gene are known to have variable expressivity (PMID: 20301732); Inheritance information for this variant is not currently available in this individual.

Blueprint Genetics
Classification: Uncertain significance. Last evaluated: 2024-07-03. Review status: criteria provided, single submitter. Criteria: ACMG Guidelines, 2015. Collection method: clinical testing. Allele origin: germline.

Labcorp Genetics (formerly Invitae), Labcorp
Classification: Likely pathogenic. Last evaluated: 2023-03-07. Review status: criteria provided, single submitter. Criteria: Invitae Variant Classification Sherloc (09022015). Collection method: clinical testing. Allele origin: germline.
Comment: ClinVar contains an entry for this variant (Variation ID: 1942065). In summary, the currently available evidence indicates that the variant is pathogenic, but additional data are needed to prove that conclusively. Therefore, this variant has been classified as Likely Pathogenic. Advanced modeling of protein sequence and biophysical properties (such as structural, functional, and spatial information, amino acid conservation, physicochemical variation, residue mobility, and thermodynamic stability) performed at Invitae indicates that this missense variant is expected to disrupt LRP2 protein function. This missense change has been observed in individual(s) with clinical features of Donnai-Barrow syndrome (Invitae). In at least one individual the data is consistent with being in trans (on the opposite chromosome) from a pathogenic variant. This variant is not present in population databases (gnomAD no frequency). This sequence change replaces cysteine, which is neutral and slightly polar, with arginine, which is basic and polar, at codon 3601 of the LRP2 protein (p.Cys3601Arg).

Literature cited by the submitters: PubMed 20301732 (cited by Victorian Clinical Genetics Services, Murdoch Childrens Research Institute); PubMed 38374194 (cited by Victorian Clinical Genetics Services, Murdoch Childrens Research Institute).

NM_004525.3(LRP2):c.10801T>C (p.Cys3601Arg)

Gene: LRP2 (LDL receptor related protein 2; minus strand). Cytogenetic location: 2q31.1.
Variant type: single nucleotide variant.
Coding change: c.10801T>C on transcript NM_004525.3 (MANE Select); coding-DNA position 10801, T replaced by C.
Protein change: p.Cys3601Arg; replaces cysteine 3601 with arginine.
Molecular consequence: missense variant.
Genome position (GRCh38, 1-based): chr2:169,174,132, A>G on the plus strand (T>C on the coding strand, the complement: LRP2 is on the minus strand). VCF-style: chr2-169174132-A-G. GRCh37 (hg19) VCF-style: chr2-170030642-A-G.
Other names: short protein forms C3601R.
Identifiers: ClinVar variation 1942065 (VCV001942065.7), dbSNP rs1687102215, ClinGen allele CA349145261.
Genomic context (GRCh38, chr2:169,174,132, plus strand): 5'-CCTCACAGTCGTTAAATGTGTCACACTGCCAGGATTCTGGGATGCAACGTTTGTTGGCGC[A>G]CTGCCATTCATTGGAGTCACAGTGGTGATTCTCTGAGAGCAGGGACATTTGGTTATCAGC-3'
Protein context (NP_004516.2, residues 3591-3611): NHHCDSNEWQ[Cys3601Arg]ANKRCIPESW